The following is an entry in ClinVar:

NM_001458.5(FLNC):c.7529C>T (p.Ala2510Val)

Genes: FLNC-AS1 (FLNC antisense RNA 1; minus strand), FLNC (filamin C; plus strand). Cytogenetic location: 7q32.1.
Variant type: single nucleotide variant.
Coding change: c.7529C>T on transcript NM_001458.5 (MANE Select); coding-DNA position 7529, C replaced by T.
Protein change: p.Ala2510Val; replaces alanine 2510 with valine.
Molecular consequence: missense variant.
Genome position (GRCh38, 1-based): chr7:128,856,889, C>T. VCF-style: chr7-128856889-C-T. GRCh37 (hg19) VCF-style: chr7-128496943-C-T.
Other names: c.7430C>T, p.Ala2477Val (NM_001127487.2); short protein forms A2477V, A2510V.
Identifiers: ClinVar variation 852992 (VCV000852992.10), dbSNP rs1809086035, ClinGen allele CA369218851.

ClinVar aggregate classification (germline): Uncertain significance (1 of 4 stars; one submission).

Conditions:
Myofibrillar myopathy 5. Also called: FILAMINOPATHY, AUTOSOMAL DOMINANT; Filaminopathy (type). Identifiers: Orphanet 171445, MedGen C1836050, MONDO:0012289, OMIM 609524.
Distal myopathy with posterior leg and anterior hand involvement. Also called: WILLIAMS DISTAL MYOPATHY. Identifiers: Orphanet 63273, MedGen C3279722, MONDO:0013550, OMIM 614065.
Hypertrophic cardiomyopathy 26. Also called: Cardiomyopathy, familial hypertrophic, 26. Identifiers: Orphanet 75249, MedGen C4310749, MONDO:0014883, OMIM 617047.

Allele frequency attached by ClinVar (database versions not stated): TOPMed below 0.00001; gnomAD 0.00002.
gnomAD v4.1: 3 of 1,614,034 alleles (0.00019%); highest among the groups gnomAD compares: Admixed American, 0.005%; no homozygotes.

Submission:

Labcorp Genetics (formerly Invitae), Labcorp
Classification: Uncertain significance for Distal myopathy with posterior leg and anterior hand involvement; Myofibrillar myopathy 5; Hypertrophic cardiomyopathy 26. Last evaluated: 2022-06-20. Review status: criteria provided, single submitter. Criteria: Invitae Variant Classification Sherloc (09022015). Collection method: clinical testing. Allele origin: germline.
Comment: This sequence change replaces alanine, which is neutral and non-polar, with valine, which is neutral and non-polar, at codon 2510 of the FLNC protein (p.Ala2510Val). This variant is not present in population databases (gnomAD no frequency). This variant has not been reported in the literature in individuals affected with FLNC-related conditions. ClinVar contains an entry for this variant (Variation ID: 852992). In summary, the available evidence is currently insufficient to determine the role of this variant in disease. Therefore, it has been classified as a Variant of Uncertain Significance. Algorithms developed to predict the effect of missense changes on protein structure and function are either unavailable or do not agree on the potential impact of this missense change (SIFT: "Deleterious"; PolyPhen-2: "Probably Damaging"; Align-GVGD: "Class C0").